The following is an entry in ClinVar:

NM_000257.4(MYH7):c.49C>T (p.Arg17Cys)

Gene: MYH7 (myosin heavy chain 7; minus strand). Cytogenetic location: 14q11.2.
Variant type: single nucleotide variant.
Coding change: c.49C>T on transcript NM_000257.4 (MANE Select); coding-DNA position 49, C replaced by T.
Protein change: p.Arg17Cys; replaces arginine 17 with cysteine.
Molecular consequence: missense variant.
Genome position (GRCh38, 1-based): chr14:23,433,684, G>A on the plus strand (C>T on the coding strand, the complement: MYH7 is on the minus strand). VCF-style: chr14-23433684-G-A. GRCh37 (hg19) VCF-style: chr14-23902893-G-A.
Other names: short protein forms R17C.
Identifiers: ClinVar variation 43050 (VCV000043050.29), dbSNP rs45511396, ClinGen allele CA015539.

ClinVar aggregate classification (germline): Uncertain significance. Review status: criteria provided, multiple submitters, no conflicts (2 of 4 stars). 13 submissions from 8 submitters: Uncertain significance (12). 1 of the submissions does not count toward it. Last evaluated 2025-10-10.

Conditions:
Cardiovascular phenotype. Identifiers: MedGen CN230736.
Myosin storage myopathy (CMYO7A). Also called: SCAPULOPERONEAL MUSCULAR DYSTROPHY; SCAPULOPERONEAL SYNDROME, MYOPATHIC TYPE; MYH7-related late-onset scapuloperoneal muscular dystrophy; Congenital myopathy 7A, myosin storage, autosomal dominant; MYOPATHY WITH LYSIS OF TYPE I MYOFIBRILS; Scapuloperoneal myopathy, MYH7-related. Identifiers: Orphanet 437572, Orphanet 636965, MedGen C1842160, MONDO:0008409, OMIM 608358.
Myopathy, myosin storage, autosomal recessive (CMYO7B). Also called: CONGENITAL MYOPATHY 7B, MYOSIN STORAGE, AUTOSOMAL RECESSIVE. Identifiers: Orphanet 636970, MedGen C1850709, MONDO:0009708, OMIM 255160.
Cardiomyopathy (CMYO). Also called: Cardiomyopathies. Identifiers: Orphanet 167848, MedGen C0878544, MONDO:0004994, HP:0001638. Inheritance: Various modes of inheritance.
Hypertrophic cardiomyopathy 1 (CMH1). Also called: MYH7-Related Familial Hypertrophic Cardiomyopathy; Familial hypertrophic cardiomyopathy 1. Identifiers: MedGen C3495498, MONDO:0008647, OMIM 192600.
MYH7-related skeletal myopathy. Also called: Laing distal myopathy; Myopathy, distal, 1; MYOPATHY, DISTAL, EARLY-ONSET, AUTOSOMAL DOMINANT; MYOPATHY, LATE DISTAL HEREDITARY; Laing early-onset distal myopathy. Identifiers: Orphanet 59135, MedGen C4552004, MONDO:0008050, OMIM 160500.
Dilated cardiomyopathy 1S (CMD1S). Identifiers: Orphanet 154, Orphanet 54260, MedGen C1834481, MONDO:0013262, OMIM 613426.
Hypertrophic cardiomyopathy. Also called: HYPERTROPHIC MYOCARDIOPATHY. Identifiers: Orphanet 217569, MedGen C0007194, MeSH D002312, MONDO:0005045, HP:0001639.

Allele frequency attached by ClinVar (database versions not stated): gnomAD exomes 0.00001 and 0.00002; gnomAD 0.00003; TOPMed below 0.00001.
gnomAD v4.1: 24 of 1,614,132 alleles (0.0015%); highest among the groups gnomAD compares: South Asian, 0.0033%; no homozygotes.

Submissions (13):

Labcorp Genetics (formerly Invitae), Labcorp
Classification: Uncertain significance for Hypertrophic cardiomyopathy. Last evaluated: 2025-10-10. Review status: criteria provided, single submitter. Criteria: Invitae Variant Classification Sherloc (09022015). Collection method: clinical testing. Allele origin: germline.
Comment: This sequence change replaces arginine, which is basic and polar, with cysteine, which is neutral and slightly polar, at codon 17 of the MYH7 protein (p.Arg17Cys). This variant is present in population databases (rs45511396, gnomAD 0.003%). This missense change has been observed in individual(s) with hypertrophic cardiomyopathy (PMID: 25611685, 27532257, 31983222). ClinVar contains an entry for this variant (Variation ID: 43050). Invitae Evidence Modeling of protein sequence and biophysical properties (such as structural, functional, and spatial information, amino acid conservation, physicochemical variation, residue mobility, and thermodynamic stability) indicates that this missense variant is expected to disrupt MYH7 protein function with a positive predictive value of 95%. In summary, the available evidence is currently insufficient to determine the role of this variant in disease. Therefore, it has been classified as a Variant of Uncertain Significance.

Ambry Genetics
Classification: Uncertain significance for Cardiovascular phenotype. Last evaluated: 2024-11-19. Review status: criteria provided, single submitter. Criteria: Ambry Variant Classification Scheme 2023. Collection method: clinical testing. Allele origin: germline.
Comment: The p.R17C variant (also known as c.49C>T), located in coding exon 1 of the MYH7 gene, results from a C to T substitution at nucleotide position 49. The arginine at codon 17 is replaced by cysteine, an amino acid with highly dissimilar properties. This variant was reported in individuals with features consistent with hypertrophic cardiomyopathy (Alfares AA et al. Genet Med, 2015 Nov;17:880-8; Walsh R et al. Genet Med, 2017 Feb;19:192-203; van Lint FHM et al. Neth Heart J, 2019 Jun;27:304-309; Toepfer CN et al. Circulation, 2020 Mar;141:828-842; Harper AR et al. Nat Genet, 2021 Feb;53:135-142). This amino acid position is highly conserved in available vertebrate species. In addition, this alteration is predicted to be deleterious by in silico analysis. Based on the available evidence, the clinical significance of this variant remains unclear.

Revvity Omics, Revvity
Classification: Uncertain significance. Last evaluated: 2024-09-12. Review status: criteria provided, single submitter. Criteria: ACMG Guidelines, 2015. Collection method: clinical testing. Allele origin: germline.

Color Diagnostics, LLC DBA Color Health
Classification: Uncertain significance for Cardiomyopathy. Last evaluated: 2024-04-10. Review status: criteria provided, single submitter. Criteria: ACMG Guidelines, 2015. Collection method: clinical testing. Allele origin: germline.
Comment: This missense variant replaces arginine with cysteine at codon 17 of the MYH7 protein. Computational prediction tools indicate that this variant has a deleterious impact on protein structure and function. A functional study using cardiac ventricular tissue from a carrier individual showed that this variant increased the proportion of myosins in disordered state compared to super relaxed state conformations (PMID: 31983222). This variant has been reported in at least two individuals affected with hypertrophic cardiomyopathy (PMID: 25611685, 27532257, 31983222, 33495597). This variant has been identified in 4/251344 chromosomes in the general population by the Genome Aggregation Database (gnomAD). The available evidence is insufficient to determine the role of this variant in disease conclusively. Therefore, this variant is classified as a Variant of Uncertain Significance.

All of Us Research Program, National Institutes of Health
Classification: Uncertain significance for Cardiomyopathy. Last evaluated: 2024-03-04. Review status: criteria provided, single submitter. Criteria: ACMG Guidelines, 2015. Collection method: clinical testing. Allele origin: germline. Inheritance: Autosomal dominant inheritance. Observed: 6 variant alleles, 6 heterozygotes.
Comment: This missense variant replaces arginine with cysteine at codon 17 of the MYH7 protein. Computational prediction suggests that this variant may have a deleterious impact on protein structure and function (internally defined REVEL score threshold >= 0.7, PMID: 27666373). A study with cardiac ventricular tissue from a carrier showed that this variant increased the proportion of myosins in disordered state compared to super relaxed state conformations (PMID: 31983222). This variant has been reported in a few individuals affected with hypertrophic cardiomyopathy (PMID: 25611685, 27532257, 31983222, 33495597). This variant has been identified in 4/251344 chromosomes in the general population by the Genome Aggregation Database (gnomAD). The available evidence is insufficient to determine the role of this variant in disease conclusively. Therefore, this variant is classified as a Variant of Uncertain Significance.

This study involves interpretation of variants in research participants for the purpose of population health screening. Participant phenotype was not available at the time of variant classification. Additional details can be found in publication PMID: 35346344, PMCID: PMC8962531

Baylor Genetics
Classification: Uncertain significance for Myosin storage myopathy. Last evaluated: 2022-12-08. Review status: criteria provided, single submitter. Criteria: ACMG Guidelines, 2015. Collection method: clinical testing. Allele origin: unknown.

Baylor Genetics
Classification: Uncertain significance for Myopathy, myosin storage, autosomal recessive. Last evaluated: 2022-12-08. Review status: criteria provided, single submitter. Criteria: ACMG Guidelines, 2015. Collection method: clinical testing. Allele origin: unknown.

Baylor Genetics
Classification: Uncertain significance for Dilated cardiomyopathy 1S. Last evaluated: 2022-12-08. Review status: criteria provided, single submitter. Criteria: ACMG Guidelines, 2015. Collection method: clinical testing. Allele origin: unknown.

Baylor Genetics
Classification: Uncertain significance for MYH7-related skeletal myopathy. Last evaluated: 2022-12-08. Review status: criteria provided, single submitter. Criteria: ACMG Guidelines, 2015. Collection method: clinical testing. Allele origin: unknown.

Baylor Genetics
Classification: Uncertain significance for Hypertrophic cardiomyopathy 1. Last evaluated: 2022-12-08. Review status: criteria provided, single submitter. Criteria: ACMG Guidelines, 2015. Collection method: clinical testing. Allele origin: unknown.

Laboratory for Molecular Medicine, Mass General Brigham Personalized Medicine
Classification: Uncertain significance. Last evaluated: 2020-03-13. Review status: criteria provided, single submitter. Criteria: LMM Criteria. Collection method: clinical testing. Allele origin: germline. Observed: 7 variant alleles.
Comment: Variant classified as Uncertain Significance - Favor Pathogenic. The p.Arg17Cys variant in MYH7 has been identified in 3 individuals with HCM, including a child with an additional variant of uncertain significance in MYH7 in trans (Alfares 2015, Walsh 2017, LMM data). It has also been identified in 0.002% (4/251344) of total (pan-ethnic) chromosomes by gnomAD. Computational prediction tools and conservation analyses suggest that this variant may impact the protein, though this information is not predictive enough to determine pathogenicity. In summary, while there is some suspicion for a pathogenic role, the clinical significance of this variant is uncertain. ACMG/AMP Criteria Applied: PM2, PP3, PS4_Supporting.

GeneDx
Classification: Uncertain significance. Last evaluated: 2019-11-12. Review status: criteria provided, single submitter. Criteria: GeneDx Variant Classification Process June 2021. Collection method: clinical testing. Allele origin: germline. Affected: yes.
Comment: Reported in two patients with HCM in the published literature; detailed clinical information was not provided (Alfares et al., 2015); Reported in ClinVar as a variant of uncertain significance (ClinVar Variant ID# 43050; Landrum et al., 2016); Not observed at a significant frequency in large population cohorts (Lek et al., 2016); In silico analysis, which includes protein predictors and evolutionary conservation, supports a deleterious effect; This variant is associated with the following publications: (PMID: 25611685, 27532257)

Baylor Genetics
Classification: Uncertain significance for Myosin storage myopathy. Last evaluated: 2022-12-08. Review status: flagged submission. Criteria: ACMG Guidelines, 2015. Collection method: clinical testing. Allele origin: unknown. Not counted in ClinVar's aggregate classification.
ClinVar note: Reason: This record appears to be redundant with a more recent record from the same submitter.
ClinVar note: Notes: SCV003836074 appears to be redundant with SCV003834825.

Literature cited by the submitters: PubMed 25611685 (cited by 5 submitters); PubMed 27532257 (cited by 5 submitters); PubMed 31983222 (cited by 4 submitters); PubMed 30847666 (cited by Ambry Genetics); PubMed 33495597 (cited by 3 submitters).